The following is an entry in ClinVar:

ClinVar aggregate classification (germline): Uncertain significance. Review status: criteria provided, multiple submitters, no conflicts (2 of 4 stars). 3 submissions from 3 submitters: Uncertain significance (3). Last evaluated 2025-04-12.

Conditions:
Inborn genetic diseases. Identifiers: MedGen C0950123, MeSH D030342.
ATP6V1A-related disorder. Also called: ATP6V1A-related condition.

Allele frequency attached by ClinVar (database versions not stated): gnomAD exomes below 0.00001; TOPMed below 0.00001; gnomAD 0.00001.
gnomAD v4.1: 6 of 1,613,926 alleles (0.00037%); highest among the groups gnomAD compares: African/African-American, 0.0013%; no homozygotes.

Submissions (3):

Ambry Genetics
Classification: Uncertain significance for Inborn genetic diseases. Last evaluated: 2025-04-12. Review status: criteria provided, single submitter. Criteria: Ambry Variant Classification Scheme 2023. Collection method: clinical testing. Allele origin: germline.

PreventionGenetics, part of Exact Sciences
Classification: Uncertain significance for ATP6V1A-related condition. Last evaluated: 2025-03-12. Review status: criteria provided, single submitter. Criteria: ACMG Guidelines, 2015. Collection method: clinical testing. Allele origin: germline.
Comment: The ATP6V1A c.441C>G variant is predicted to result in the amino acid substitution p.Ile147Met. To our knowledge, this variant has not been reported in the literature or in a large population database, indicating this variant is rare. At this time, the clinical significance of this variant is uncertain due to the absence of conclusive functional and genetic evidence.

Labcorp Genetics (formerly Invitae), Labcorp
Classification: Uncertain significance. Last evaluated: 2024-10-28. Review status: criteria provided, single submitter. Criteria: Invitae Variant Classification Sherloc (09022015). Collection method: clinical testing. Allele origin: germline.
Comment: This sequence change replaces isoleucine, which is neutral and non-polar, with methionine, which is neutral and non-polar, at codon 147 of the ATP6V1A protein (p.Ile147Met). This variant is not present in population databases (gnomAD no frequency). This variant has not been reported in the literature in individuals affected with ATP6V1A-related conditions. ClinVar contains an entry for this variant (Variation ID: 2071059). Invitae Evidence Modeling of protein sequence and biophysical properties (such as structural, functional, and spatial information, amino acid conservation, physicochemical variation, residue mobility, and thermodynamic stability) has been performed for this missense variant. However, the output from this modeling did not meet the statistical confidence thresholds required to predict the impact of this variant on ATP6V1A protein function. In summary, the available evidence is currently insufficient to determine the role of this variant in disease. Therefore, it has been classified as a Variant of Uncertain Significance.

NM_001690.4(ATP6V1A):c.441C>G (p.Ile147Met)

Gene: ATP6V1A (ATPase H+ transporting V1 subunit A; plus strand). Cytogenetic location: 3q13.31.
Variant type: single nucleotide variant.
Coding change: c.441C>G on transcript NM_001690.4 (MANE Select); coding-DNA position 441, C replaced by G.
Protein change: p.Ile147Met; replaces isoleucine 147 with methionine.
Molecular consequence: missense variant.
Genome position (GRCh38, 1-based): chr3:113,784,710, C>G. VCF-style: chr3-113784710-C-G. GRCh37 (hg19) VCF-style: chr3-113503557-C-G.
Other names: c.441C>G (NM_001690.3); short protein forms I147M.
Identifiers: ClinVar variation 2071059 (VCV002071059.8), dbSNP rs1358963035, ClinGen allele CA354009190.
Genomic context (GRCh38, chr3:113,784,710, plus strand): 5'-CTTGACATTTATTTGCAAATTAAACAGCAAATACATTTATCTCTAGGTTGGTAGTCATAT[C>G]ACTGGCGGAGACATTTATGGAATTGTCAGTGAGAACTCGCTTATCAAACACAAAATCATG-3'
Protein context (NP_001681.2, residues 137-157): PCKNLRVGSH[Ile147Met]TGGDIYGIVS